The following is an entry in ClinVar:

ClinVar aggregate classification (germline): Uncertain significance (1 of 4 stars; one submission).

Conditions:
Cardiovascular phenotype. Identifiers: MedGen CN230736.

Submission:

Ambry Genetics
Classification: Uncertain significance for Cardiovascular phenotype. Last evaluated: 2021-07-08. Review status: criteria provided, single submitter. Criteria: Ambry Variant Classification Scheme 2023. Collection method: clinical testing. Allele origin: germline.
Comment: The p.C51W variant (also known as c.153T>G), located in coding exon 2 of the KRAS gene, results from a T to G substitution at nucleotide position 153. The cysteine at codon 51 is replaced by tryptophan, an amino acid with highly dissimilar properties. This amino acid position is conserved. In addition, this alteration is predicted to be deleterious by in silico analysis. Since supporting evidence is limited at this time, the clinical significance of this alteration remains unclear.

NM_004985.5(KRAS):c.153T>G (p.Cys51Trp)

Gene: KRAS (KRAS proto-oncogene, GTPase; minus strand). Cytogenetic location: 12p12.1.
Variant type: single nucleotide variant.
Coding change: c.153T>G on transcript NM_004985.5 (MANE Select); coding-DNA position 153, T replaced by G.
Protein change: p.Cys51Trp; replaces cysteine 51 with tryptophan.
Molecular consequence: missense variant.
Genome position (GRCh38, 1-based): chr12:25,227,371, A>C on the plus strand (T>G on the coding strand, the complement: KRAS is on the minus strand). VCF-style: chr12-25227371-A-C. GRCh37 (hg19) VCF-style: chr12-25380305-A-C.
Other names: c.153T>G, p.Cys51Trp (NM_001369786.1, NM_001369787.1, NM_033360.4); short protein forms C51W.
Identifiers: ClinVar variation 1774834 (VCV001774834.2), dbSNP rs2141510348, ClinGen allele CA384152304.